The following is an entry in ClinVar:

NM_001395656.1(ROBO2):c.2804C>T (p.Thr935Met)

Gene: ROBO2 (roundabout guidance receptor 2; plus strand). Cytogenetic location: 3p12.3.
Variant type: single nucleotide variant.
Coding change: c.2804C>T on transcript NM_001395656.1 (MANE Select); coding-DNA position 2804, C replaced by T.
Protein change: p.Thr935Met; replaces threonine 935 with methionine.
Molecular consequence: missense variant.
Genome position (GRCh38, 1-based): chr3:77,596,688, C>T. VCF-style: chr3-77596688-C-T. GRCh37 (hg19) VCF-style: chr3-77645839-C-T.
Other names: c.2840C>T, p.Thr947Met (NM_001128929.3); c.2804C>T, p.Thr935Met (NM_001290039.2, NM_001290040.2, NM_001378202.1); c.1013C>T, p.Thr338Met (NM_001290065.2); c.2852C>T, p.Thr951Met (NM_001378190.1, NM_001378191.1, NM_001378195.1 and 4 more transcripts); c.2873C>T, p.Thr958Met (NM_001378192.1, NM_001378194.1, NM_001378198.1 and 2 more transcripts); c.2792C>T, p.Thr931Met (NM_001378193.1, NM_001378197.1, NM_002942.5); c.2861C>T, p.Thr954Met (NM_001394212.1, NM_001394214.1, NM_001395657.1); short protein forms T935M, T958M, T338M, T931M, T947M, T951M, T954M.
Identifiers: ClinVar variation 2064947 (VCV002064947.5), dbSNP rs372175148, ClinGen allele CA2497432.
Genomic context (GRCh38, chr3:77,596,688, plus strand): 5'-CAGGTCTTCTCAATGCTGGTGATCCCAGCTATCCATGGCTTGCTGATTCTTGGCCAGCCA[C>T]GAGCTTGCCAGTAAATAATAGCAACAGTGGCCCAAATGAGATTGGAAATTTTGGCCGTGG-3'
Protein context (NP_001382585.1, residues 925-945): YPWLADSWPA[Thr935Met]SLPVNNSNSG

ClinVar aggregate classification (germline): Uncertain significance. Review status: criteria provided, multiple submitters, no conflicts (2 of 4 stars). 2 submissions from 2 submitters: Uncertain significance (2). Last evaluated 2025-12-03.

Conditions:
Inborn genetic diseases. Identifiers: MedGen C0950123, MeSH D030342.

Allele frequency attached by ClinVar (database versions not stated): ExAC 0.00005; gnomAD 0.00006; TOPMed 0.00006; ESP Exome Variant Server 0.00008; gnomAD exomes 0.00009.
gnomAD v4.1: 144 of 1,613,700 alleles (0.0089%); highest among the groups gnomAD compares: Non-Finnish European, 0.011%; no homozygotes.

Submissions (2):

Labcorp Genetics (formerly Invitae), Labcorp
Classification: Uncertain significance. Last evaluated: 2025-12-03. Review status: criteria provided, single submitter. Criteria: Invitae Variant Classification Sherloc (09022015). Collection method: clinical testing. Allele origin: germline.
Comment: This sequence change replaces threonine, which is neutral and polar, with methionine, which is neutral and non-polar, at codon 931 of the ROBO2 protein (p.Thr931Met). This variant is present in population databases (rs372175148, gnomAD 0.01%). This variant has not been reported in the literature in individuals affected with ROBO2-related conditions. ClinVar contains an entry for this variant (Variation ID: 2064947). Invitae Evidence Modeling of protein sequence and biophysical properties (such as structural, functional, and spatial information, amino acid conservation, physicochemical variation, residue mobility, and thermodynamic stability) indicates that this missense variant is not expected to disrupt ROBO2 protein function with a negative predictive value of 95%. In summary, the available evidence is currently insufficient to determine the role of this variant in disease. Therefore, it has been classified as a Variant of Uncertain Significance.

Ambry Genetics
Classification: Uncertain significance for Inborn genetic diseases. Last evaluated: 2022-12-28. Review status: criteria provided, single submitter. Criteria: Ambry Variant Classification Scheme 2023. Collection method: clinical testing. Allele origin: germline.